The following is an entry in ClinVar:

NM_004360.5(CDH1):c.723A>T (p.Ala241=)

Gene: CDH1 (cadherin 1; plus strand). Cytogenetic location: 16q22.1.
Variant type: single nucleotide variant.
Coding change: c.723A>T on transcript NM_004360.5 (MANE Select); coding-DNA position 723, A replaced by T.
Protein change: p.Ala241=; no amino-acid change (alanine 241 retained).
Molecular consequence: synonymous variant. On other transcripts: 5 prime UTR variant (2).
Genome position (GRCh38, 1-based): chr16:68,810,232, A>T. VCF-style: chr16-68810232-A-T. GRCh37 (hg19) VCF-style: chr16-68844135-A-T.
Other names: c.723A>T, p.Ala241= (NM_001317184.2); c.-893A>T (NM_001317185.2); c.-1097A>T (NM_001317186.2).
Identifiers: ClinVar variation 753456 (VCV000753456.15), dbSNP rs768781036, ClinGen allele CA496152774.

ClinVar aggregate classification (germline): Benign/Likely benign. Review status: criteria provided, multiple submitters, no conflicts (2 of 4 stars). 3 submissions from 3 submitters: Benign (1); Likely benign (2). Last evaluated 2024-09-13.

Conditions:
Hereditary cancer-predisposing syndrome. Also called: Tumor predisposition; Hereditary Cancer Syndrome; Neoplastic Syndromes, Hereditary; Hereditary neoplastic syndrome. Identifiers: Orphanet 140162, MedGen C0027672, MeSH D009386, MONDO:0015356.
Hereditary diffuse gastric adenocarcinoma (HDGC). Also called: DIFFUSE GASTRIC AND LOBULAR BREAST CANCER SYNDROME. Identifiers: Orphanet 26106, MedGen C1708349, MONDO:0007648, OMIM 137215.

Submissions (3):

Myriad Genetics, Inc.
Classification: Benign for Hereditary diffuse gastric adenocarcinoma. Last evaluated: 2024-09-13. Review status: criteria provided, single submitter. Criteria: Myriad Autosomal Dominant, Autosomal Recessive and X-Linked Classification Criteria (2023). Collection method: clinical testing. Allele origin: unknown.
Comment: This variant is considered benign. This variant is a silent/synonymous amino acid change and it is not expected to impact splicing.

Labcorp Genetics (formerly Invitae), Labcorp
Classification: Likely benign for Hereditary diffuse gastric adenocarcinoma. Last evaluated: 2023-09-25. Review status: criteria provided, single submitter. Criteria: Invitae Variant Classification Sherloc (09022015). Collection method: clinical testing. Allele origin: germline.

Ambry Genetics
Classification: Likely benign for Hereditary cancer-predisposing syndrome. Last evaluated: 2019-05-13. Review status: criteria provided, single submitter. Criteria: Ambry Variant Classification Scheme 2023. Collection method: clinical testing. Allele origin: germline.